The following is an entry in ClinVar:

ClinVar aggregate classification (germline): Uncertain significance. Review status: criteria provided, multiple submitters, no conflicts (2 of 4 stars). 9 submissions from 9 submitters: Uncertain significance (9). Last evaluated 2025-06-15.

Conditions:
Dyskeratosis congenita. Identifiers: Orphanet 1775, MedGen C0265965, MONDO:0015780.
Dyskeratosis congenita, autosomal recessive 2 (DKCB2). Identifiers: Orphanet 1775, MedGen C3151441, MONDO:0013519, OMIM 613987.

Allele frequency attached by ClinVar (database versions not stated): 1000 Genomes Project 0.00020; 1000 Genomes Project 30x 0.00031; gnomAD exomes 0.00037; gnomAD 0.00038; ExAC 0.00043; TOPMed 0.00049; ESP Exome Variant Server 0.00069.
gnomAD v4.1: 566 of 1,614,240 alleles (0.035%); highest among the groups gnomAD compares: Admixed American, 0.083%; no homozygotes.

Submissions (9):

Dasa
Classification: Uncertain significance for dyskeratosis congenita, autosomal recessive 2. Last evaluated: 2025-06-15. Review status: criteria provided, single submitter. Criteria: DASA Assertion Criteria. Collection method: clinical testing. Allele origin: germline.
Comment: NM_017838.4(NHP2):c.190G>A (p.Val64Met) is a missense variant that results in the substitution of valine with methionine. This variant is rare in population databases. Computational prediction algorithms are consistent with a benign effect. The currently available literature and clinical evidence are not sufficient to establish a definitive association between this variant and the reported condition. Therefore, this variant is classified as a variant of uncertain significance.

Blueprint Genetics
Classification: Uncertain significance. Last evaluated: 2024-11-13. Review status: criteria provided, single submitter. Criteria: ACMG Guidelines, 2015. Collection method: clinical testing. Allele origin: germline.

Fulgent Genetics
Classification: Uncertain significance for Dyskeratosis congenita, autosomal recessive 2. Last evaluated: 2024-03-14. Review status: criteria provided, single submitter. Criteria: ACMG Guidelines, 2015. Collection method: clinical testing. Allele origin: germline.

GeneDx
Classification: Uncertain significance. Last evaluated: 2023-02-24. Review status: criteria provided, single submitter. Criteria: GeneDx Variant Classification Process June 2021. Collection method: clinical testing. Allele origin: germline. Affected: yes.
Comment: In silico analysis supports that this missense variant does not alter protein structure/function; Observed in a patient with primary immunodeficiency (Rudilla et al., 2019); This variant is associated with the following publications: (PMID: 31681265)

Labcorp Genetics (formerly Invitae), Labcorp
Classification: Uncertain significance for Dyskeratosis congenita. Last evaluated: 2022-09-21. Review status: criteria provided, single submitter. Criteria: Invitae Variant Classification Sherloc (09022015). Collection method: clinical testing. Allele origin: germline.
Comment: This sequence change replaces valine, which is neutral and non-polar, with methionine, which is neutral and non-polar, at codon 64 of the NHP2 protein (p.Val64Met). This variant is present in population databases (rs79031130, gnomAD 0.07%). This variant has not been reported in the literature in individuals affected with NHP2-related conditions. ClinVar contains an entry for this variant (Variation ID: 353025). Algorithms developed to predict the effect of missense changes on protein structure and function are either unavailable or do not agree on the potential impact of this missense change (SIFT: "Deleterious"; PolyPhen-2: "Probably Damaging"; Align-GVGD: "Class C0"). In summary, the available evidence is currently insufficient to determine the role of this variant in disease. Therefore, it has been classified as a Variant of Uncertain Significance.

Sema4
Classification: Uncertain significance for Dyskeratosis congenita. Last evaluated: 2022-01-05. Review status: criteria provided, single submitter. Criteria: Sema4 Curation Guidelines. Collection method: curation. Allele origin: germline.
Comment: The NHP2 c.190G>A (p.V64M) variant has been reported in heterozygosity in one individual with primary immunodeficiency (PMID: 31681265). It was observed in 25/35440 chromosomes of the Latino subpopulation, with no homozygotes, in the large and broad cohorts of the Genome Aggregation Database (PMID: 32461654). The variant has been reported in ClinVar (Variation ID 353025). Functional studies have not been performed, and in silico predictions of the variant's effect on protein function are inconclusive. The evidence is insufficient to meet ACMG/AMP criteria for classifying the variant as benign or pathogenic. Thus, the clinical significance of this variant is currently uncertain.

Ambry Genetics
Classification: Uncertain significance for Dyskeratosis congenita. Last evaluated: 2021-08-09. Review status: criteria provided, single submitter. Criteria: Ambry Variant Classification Scheme 2023. Collection method: clinical testing. Allele origin: germline.

Genetic Services Laboratory, University of Chicago
Classification: Uncertain significance. Last evaluated: 2016-12-20. Review status: criteria provided, single submitter. Criteria: ACMG Guidelines, 2015. Collection method: clinical testing. Allele origin: germline. Affected: no.

Breakthrough Genomics
Classification: Uncertain significance. Review status: criteria provided, single submitter. Criteria: ACMG Guidelines, 2015. Collection method: not provided. Allele origin: germline. Inheritance: Autosomal recessive inheritance. Affected: yes.

Literature cited by the submitters: PubMed 31681265 (cited by Sema4).

NM_017838.4(NHP2):c.190G>A (p.Val64Met)

Gene: NHP2 (NHP2 ribonucleoprotein; minus strand). Cytogenetic location: 5q35.3.
Variant type: single nucleotide variant.
Coding change: c.190G>A on transcript NM_017838.4 (MANE Select); coding-DNA position 190, G replaced by A.
Protein change: p.Val64Met; replaces valine 64 with methionine.
Molecular consequence: missense variant.
Genome position (GRCh38, 1-based): chr5:178,153,531, C>T on the plus strand (G>A on the coding strand, the complement: NHP2 is on the minus strand). VCF-style: chr5-178153531-C-T. GRCh37 (hg19) VCF-style: chr5-177580532-C-T.
Other names: c.190G>A, p.Val64Met (NM_001034833.2); short protein forms V64M.
Identifiers: ClinVar variation 353025 (VCV000353025.20), dbSNP rs79031130, ClinGen allele CA3589226.